The following is an entry in ClinVar:

NM_000135.4(FANCA):c.1049G>A (p.Arg350Gln)

Gene: FANCA (FA complementation group A; minus strand). Cytogenetic location: 16q24.3.
Variant type: single nucleotide variant.
Coding change: c.1049G>A on transcript NM_000135.4 (MANE Select); coding-DNA position 1049, G replaced by A.
Protein change: p.Arg350Gln; replaces arginine 350 with glutamine.
Molecular consequence: missense variant.
Genome position (GRCh38, 1-based): chr16:89,792,505, C>T on the plus strand (G>A on the coding strand, the complement: FANCA is on the minus strand). VCF-style: chr16-89792505-C-T. GRCh37 (hg19) VCF-style: chr16-89858913-C-T.
Other names: c.1049G>A, p.Arg350Gln (NM_001286167.3); c.1049G>A (NM_000135.3); short protein forms R350Q.
Identifiers: ClinVar variation 134241 (VCV000134241.21), dbSNP rs199967286, ClinGen allele CA159238.
Genomic context (GRCh38, chr16:89,792,505, plus strand): 5'-GCAGGTATAATACCACATCCACTCACCCTGCGGTACAGTGAGGTGAGCAGAGGGTGTGTC[C>T]GCGCAAAGCTCCACTCTCTCTGCATCTGAACAGCATCAGATGCTGCAGGGGGAGAAACAG-3'
Protein context (NP_000126.2, residues 340-360): VQMQREWSFA[Arg350Gln]THPLLTSLYR

ClinVar aggregate classification (germline): Conflicting classifications of pathogenicity. Review status: criteria provided, conflicting classifications (1 of 4 stars). 8 submissions from 8 submitters: Uncertain significance (4); Benign (1); Likely benign (1). 2 of the submissions do not count toward it. Last evaluated 2026-01-13.

Conditions:
Fanconi anemia (FA). Also called: Fanconi's anemia. Identifiers: Orphanet 84, MedGen C0015625, MeSH D005199, MONDO:0019391.
Fanconi anemia complementation group A (FANCA). Also called: Fanconi anemia, group A; FANCA-Related Fanconi Anemia. Identifiers: Orphanet 84, MedGen C3469521, MONDO:0009215, OMIM 227650.

Allele frequency attached by ClinVar (database versions not stated): TOPMed 0.00003; gnomAD 0.00005 and 0.00011; ExAC 0.00012; 1000 Genomes Project 30x 0.00016; 1000 Genomes Project 0.00020.
gnomAD v4.1: 264 of 1,613,430 alleles (0.016%); highest among the groups gnomAD compares: East Asian, 0.5%; 2 homozygotes.

Submissions (8):

Labcorp Genetics (formerly Invitae), Labcorp
Classification: Benign for Fanconi anemia. Last evaluated: 2026-01-13. Review status: criteria provided, single submitter. Criteria: Invitae Variant Classification Sherloc (09022015). Collection method: clinical testing. Allele origin: germline.

Quest Diagnostics Nichols Institute San Juan Capistrano
Classification: Likely benign. Last evaluated: 2025-01-31. Review status: criteria provided, single submitter. Criteria: Quest Diagnostics criteria. Collection method: clinical testing. Allele origin: unknown.

Genetic Services Laboratory, University of Chicago
Classification: Uncertain significance. Last evaluated: 2023-03-06. Review status: criteria provided, single submitter. Criteria: ACMG Guidelines, 2015. Collection method: clinical testing. Allele origin: germline. Affected: no.
Comment: DNA sequence analysis of the FANCA gene demonstrated a sequence change, c.1049G>A, in exon 12 that results in an amino acid change, p.Arg350Gln. This sequence change does not appear to have been previously described in individuals with FANCA-related disorders. This sequence change has been described in the gnomAD database with a frequency of 0.15% in the East Asian subpopulation (dbSNP rs199967286). The p.Arg350Gln change affects a moderately conserved amino acid residue located in a domain of the FANCA protein that is not known to be functional. The p.Arg350Gln substitution appears to be benign using several in-silico pathogenicity prediction tools (SIFT, PolyPhen2, Align GVGD, REVEL). Due to insufficient evidences and the lack of functional studies, the clinical significance of the p.Arg350Gln change remains unknown at this time.

Sema4
Classification: Uncertain significance for Fanconi anemia. Last evaluated: 2021-07-12. Review status: criteria provided, single submitter. Criteria: Sema4 Curation Guidelines. Collection method: curation. Allele origin: germline.
Comment: The FANCA c.1049G>A (p.R350Q) variant has not been reported in the literature to our knowledge. It was observed in 30/19946 chromosomes, including one homozygote, in the East Asian subpopulation in the large and broad cohorts of the Genome Aggregation Database (PMID: 32461654). The variant has been reported in ClinVar (Variation ID: 134241). Functional studies have not been performed and in silico tool predictions of the variants effect on protein function are inconclusive. The evidence is insufficient to meet ACMG/AMP criteria for classifying the variant as benign or pathogenic. Thus, the clinical significance of this variant is currently uncertain.

Baylor Genetics
Classification: Uncertain significance for Fanconi anemia complementation group A. Last evaluated: 2020-06-05. Review status: criteria provided, single submitter. Criteria: ACMG Guidelines, 2015. Collection method: clinical testing. Allele origin: unknown. Affected: yes. Study: CSER-TexasKidsCanSeq.
Comment: This variant was determined to be of uncertain significance according to ACMG Guidelines, 2015 [PMID:25741868].

Illumina Laboratory Services, Illumina
Classification: Uncertain significance for Fanconi anemia complementation group A. Last evaluated: 2017-04-27. Review status: criteria provided, single submitter. Criteria: ICSL Variant Classification Criteria 13 December 2019. Collection method: clinical testing. Allele origin: germline.
Comment: This variant was observed as part of a predisposition screen in an ostensibly healthy population. A literature search was performed for the gene, cDNA change, and amino acid change (where applicable). Publications were found based on this search. However, the evidence from the literature, in combination with allele frequency data from public databases where available, was not sufficient to rule this variant in or out of causing disease. Therefore, this variant is classified as a variant of unknown significance.

Natera, Inc.
Classification: Uncertain significance for Fanconi anemia. Last evaluated: 2020-02-21. Review status: no assertion criteria provided. Collection method: clinical testing. Allele origin: germline. Not counted in ClinVar's aggregate classification.

ITMI
No classification provided. Condition: AllHighlyPenetrant. Last evaluated: 2013-09-19. Review status: no classification provided. Collection method: reference population. Allele origin: germline. Not counted in ClinVar's aggregate classification.
Comment: Please see associated publication for description of ethnicities

Literature cited by the submitters: PubMed 16774934 (cited by Illumina Laboratory Services, Illumina); PubMed 15609317 (cited by Illumina Laboratory Services, Illumina); PubMed 24728327 (cited by ITMI).